The following is an entry in ClinVar:

ClinVar aggregate classification (germline): Pathogenic (1 of 4 stars; one submission).

Submission:

Labcorp Genetics (formerly Invitae), Labcorp
Classification: Pathogenic. Last evaluated: 2023-01-30. Review status: criteria provided, single submitter. Criteria: Invitae Variant Classification Sherloc (09022015). Collection method: clinical testing. Allele origin: germline.
Comment: For these reasons, this variant has been classified as Pathogenic. This variant has not been reported in the literature in individuals affected with CEP78-related conditions. This variant is not present in population databases (gnomAD no frequency). This sequence change creates a premature translational stop signal (p.Asn237Lysfs*7) in the CEP78 gene. It is expected to result in an absent or disrupted protein product. Loss-of-function variants in CEP78 are known to be pathogenic (PMID: 27588451, 27588452, 27627988).

Literature cited by the submitters: PubMed 27588451; PubMed 27588452; PubMed 27627988.

NM_001330691.3(CEP78):c.711del (p.Asn237fs)

Gene: CEP78 (centrosomal protein 78; plus strand). Cytogenetic location: 9q21.2.
Variant type: Deletion.
Coding change: c.711del on transcript NM_001330691.3 (MANE Select); coding-DNA position 711, one base deleted (C; older notation c.711delC).
Protein change: p.Asn237fs; shifts the reading frame from asparagine 237.
Molecular consequence: frameshift variant.
Genome position (GRCh38, 1-based): chr9:78,243,569, C deleted. VCF-style (leftmost placement, unchanged base first): chr9-78243568-AC-A. GRCh37 (hg19) VCF-style: chr9-80858484-AC-A.
Other names: c.711del, p.Asn237fs (NM_001098802.3, NM_001330693.3, NM_001330694.2 and 4 more transcripts); short protein forms N237fs.
Identifiers: ClinVar variation 2823042 (VCV002823042.3), dbSNP rs2489838840, ClinGen allele CA2739269326.